The following is an entry in ClinVar:

ClinVar aggregate classification (germline): Uncertain significance. Review status: criteria provided, multiple submitters, no conflicts (2 of 4 stars). 3 submissions from 3 submitters: Uncertain significance (3). Last evaluated 2024-10-13.

Conditions:
Cardiovascular phenotype. Identifiers: MedGen CN230736.
Cardiomyopathy (CMYO). Also called: Cardiomyopathies. Identifiers: Orphanet 167848, MedGen C0878544, MONDO:0004994, HP:0001638. Inheritance: Various modes of inheritance.
Hypertrophic cardiomyopathy. Also called: HYPERTROPHIC MYOCARDIOPATHY. Identifiers: Orphanet 217569, MedGen C0007194, MeSH D002312, MONDO:0005045, HP:0001639.

Allele frequency attached by ClinVar (database versions not stated): gnomAD exomes below 0.00001.
gnomAD v4.1: 1 of 1,614,248 alleles (0.000062%); highest among the groups gnomAD compares: Non-Finnish European, 0.000085%; no homozygotes.

Submissions (3):

Labcorp Genetics (formerly Invitae), Labcorp
Classification: Uncertain significance for Hypertrophic cardiomyopathy. Last evaluated: 2024-10-13. Review status: criteria provided, single submitter. Criteria: Invitae Variant Classification Sherloc (09022015). Collection method: clinical testing. Allele origin: germline.
Comment: This sequence change replaces isoleucine, which is neutral and non-polar, with phenylalanine, which is neutral and non-polar, at codon 1912 of the MYH7 protein (p.Ile1912Phe). This variant is not present in population databases (gnomAD no frequency). This missense change has been observed in individual(s) with clinical features of MYH7-related conditions (internal data). ClinVar contains an entry for this variant (Variation ID: 946623). Invitae Evidence Modeling of protein sequence and biophysical properties (such as structural, functional, and spatial information, amino acid conservation, physicochemical variation, residue mobility, and thermodynamic stability) indicates that this missense variant is expected to disrupt MYH7 protein function with a positive predictive value of 95%. In summary, the available evidence is currently insufficient to determine the role of this variant in disease. Therefore, it has been classified as a Variant of Uncertain Significance.

CHEO Genetics Diagnostic Laboratory, Children's Hospital of Eastern Ontario
Classification: Uncertain significance for Cardiomyopathy. Last evaluated: 2020-11-25. Review status: criteria provided, single submitter. Criteria: ACMG Guidelines, 2015. Collection method: clinical testing. Allele origin: germline.

Ambry Genetics
Classification: Uncertain significance for Cardiovascular phenotype. Last evaluated: 2019-05-24. Review status: criteria provided, single submitter. Criteria: Ambry Variant Classification Scheme 2023. Collection method: clinical testing. Allele origin: germline.
Comment: The p.I1912F variant (also known as c.5734A>T), located in coding exon 37 of the MYH7 gene, results from an A to T substitution at nucleotide position 5734. The isoleucine at codon 1912 is replaced by phenylalanine, an amino acid with highly similar properties. This amino acid position is highly conserved in available vertebrate species. In addition, the in silico prediction for this alteration is inconclusive. Since supporting evidence is limited at this time, the clinical significance of this alteration remains unclear.

NM_000257.4(MYH7):c.5734A>T (p.Ile1912Phe)

Gene: MYH7 (myosin heavy chain 7; minus strand). Cytogenetic location: 14q11.2.
Variant type: single nucleotide variant.
Coding change: c.5734A>T on transcript NM_000257.4 (MANE Select); coding-DNA position 5734, A replaced by T.
Protein change: p.Ile1912Phe; replaces isoleucine 1912 with phenylalanine.
Molecular consequence: missense variant.
Genome position (GRCh38, 1-based): chr14:23,413,815, T>A on the plus strand (A>T on the coding strand, the complement: MYH7 is on the minus strand). VCF-style: chr14-23413815-T-A. GRCh37 (hg19) VCF-style: chr14-23883024-T-A.
Other names: short protein forms I1912F.
Identifiers: ClinVar variation 946623 (VCV000946623.13), dbSNP rs1396486231, ClinGen allele CA389034587.